The following is an entry in ClinVar:

ClinVar aggregate classification (germline): Pathogenic. Review status: reviewed by expert panel (3 of 4 stars). 10 submissions from 10 submitters: Pathogenic (1). 9 of the submissions do not count toward it. Last evaluated 2016-09-08.

Conditions:
Hereditary cancer-predisposing syndrome. Also called: Tumor predisposition; Neoplastic Syndromes, Hereditary; Hereditary neoplastic syndrome; Hereditary Cancer Syndrome. Identifiers: Orphanet 140162, MedGen C0027672, MeSH D009386, MONDO:0015356.
Hereditary breast ovarian cancer syndrome. Also called: Hereditary breast and ovarian cancer; Hereditary breast and ovarian cancer syndrome (HBOC); Hereditary breast and/or ovarian cancer syndrome; Breast and ovarian cancer; Hereditary breast and ovarian cancer syndrome; BRCA1- and BRCA2-Associated Hereditary Breast and Ovarian Cancer. Identifiers: Orphanet 145, MedGen C0677776, MeSH D061325, MONDO:0003582. Disease mechanism: loss of function.
Breast-ovarian cancer, familial, susceptibility to, 2 (BROVCA2). Also called: BRCA2 Hereditary Breast and Ovarian Cancer. Identifiers: Orphanet 145, MedGen C2675520, MONDO:0012933, OMIM 612555. Disease mechanism: loss of function.
Familial cancer of breast. Also called: Hereditary breast cancer; BREAST CANCER, FAMILIAL; hereditary breast carcinoma. Identifiers: Orphanet 227535, MedGen C0346153, MONDO:0016419, OMIM 114480. Disease mechanism: loss of function.

Submissions (10):

Evidence-based Network for the Interpretation of Germline Mutant Alleles (ENIGMA)
Classification: Pathogenic for Breast-ovarian cancer, familial, susceptibility to, 2. Last evaluated: 2016-09-08. Review status: reviewed by expert panel. Criteria: ENIGMA BRCA1/2 Classification Criteria (2015). Collection method: curation. Allele origin: germline.
Comment: Variant allele predicted to encode a truncated non-functional protein.

Center for Genomic Medicine, Rigshospitalet, Copenhagen University Hospital
Classification: Pathogenic. Last evaluated: 2025-03-04. Review status: criteria provided, single submitter. Criteria: ACMG Guidelines, 2015. Collection method: clinical testing. Allele origin: germline. Not counted in ClinVar's aggregate classification.

Ambry Genetics
Classification: Pathogenic for Hereditary cancer-predisposing syndrome. Last evaluated: 2024-10-16. Review status: criteria provided, single submitter. Criteria: Ambry Variant Classification Scheme 2023. Collection method: clinical testing. Allele origin: germline. Not counted in ClinVar's aggregate classification.
Comment: The p.S744* pathogenic mutation (also known as c.2231C>G), located in coding exon 10 of the BRCA2 gene, results from a C to G substitution at nucleotide position 2231. This changes the amino acid from a serine to a stop codon within coding exon 10. This pathogenic mutation has been reported in hereditary breast cancer families (Heidemann S et al. Breast Cancer Res. Treat. 2012 Aug; 134(3):1229-39; Nielsen HR et al. Fam. Cancer 2016 Feb; DOI 10.1007/s10689-016-9875-7). This mutation has been identified in a breast/ovarian cancer patient who also carries a pathogenic mutation in BRCA1 (Rebbeck TR et al. Breast Cancer Res. 2016 11;18(1):112). In addition to the clinical data presented in the literature, this alteration is expected to result in loss of function by premature protein truncation or nonsense-mediated mRNA decay. As such, this alteration is interpreted as a disease-causing mutation.

Department of Clinical Genetics, Copenhagen University Hospital, Rigshospitalet
Classification: Pathogenic for Breast-ovarian cancer, familial, susceptibility to, 2. Last evaluated: 2024-05-27. Review status: criteria provided, single submitter. Criteria: ACMG Guidelines, 2015. Collection method: clinical testing. Allele origin: germline. Affected: yes. Not counted in ClinVar's aggregate classification.
Comment: PVS1; PM2_supporting; PM5_PTC_Strong

Labcorp Genetics (formerly Invitae), Labcorp
Classification: Pathogenic for Hereditary breast ovarian cancer syndrome. Last evaluated: 2024-03-05. Review status: criteria provided, single submitter. Criteria: Invitae Variant Classification Sherloc (09022015). Collection method: clinical testing. Allele origin: germline. Not counted in ClinVar's aggregate classification.
Comment: This sequence change creates a premature translational stop signal (p.Ser744*) in the BRCA2 gene. It is expected to result in an absent or disrupted protein product. Loss-of-function variants in BRCA2 are known to be pathogenic (PMID: 20104584). This variant is not present in population databases (gnomAD no frequency). This premature translational stop signal has been observed in individual(s) with breast cancer (PMID: 22535016, 26833046, 29446198). This variant is also known as 2459C>G. ClinVar contains an entry for this variant (Variation ID: 37777). For these reasons, this variant has been classified as Pathogenic.

Baylor Genetics
Classification: Pathogenic for Familial cancer of breast. Last evaluated: 2022-02-15. Review status: criteria provided, single submitter. Criteria: ACMG Guidelines, 2015. Collection method: clinical testing. Allele origin: unknown. Not counted in ClinVar's aggregate classification.

Color Diagnostics, LLC DBA Color Health
Classification: Pathogenic for Hereditary cancer-predisposing syndrome. Last evaluated: 2020-01-15. Review status: criteria provided, single submitter. Criteria: ACMG Guidelines, 2015. Collection method: clinical testing. Allele origin: germline. Not counted in ClinVar's aggregate classification.
Comment: This variant changes 1 nucleotide in exon 11 of the BRCA2 gene, creating a premature translation stop signal. This variant is expected to result in an absent or non-functional protein product. This variant has not been identified in the general population by the Genome Aggregation Database (gnomAD). Loss of BRCA2 function is a known mechanism of disease. Based on the available evidence, this variant is classified as Pathogenic.

GeneDx
Classification: Pathogenic. Last evaluated: 2016-06-02. Review status: criteria provided, single submitter. Criteria: GeneDx Variant Classification (06012015). Collection method: clinical testing. Allele origin: germline. Affected: yes. Not counted in ClinVar's aggregate classification.
Comment: This pathogenic variant is denoted BRCA2 c.2231C>G at the cDNA level and p.Ser744Ter (S744X) at the protein level. The substitution creates a nonsense variant, which changes a Serine to a premature stop codon (TCA>TGA), and is predicted to cause loss of normal protein function through either protein truncation or nonsense-mediated mRNA decay. This variant, also denoted BRCA2 2459C>G using alternate nomenclature, has been observed in individuals with a personal and/or family history of breast and/or ovarian cancer (Heidemann 2012, Nielsen 2016) and is considered pathogenic.

Consortium of Investigators of Modifiers of BRCA1/2 (CIMBA), c/o University of Cambridge
Classification: Pathogenic for Breast-ovarian cancer, familial, susceptibility to, 2. Last evaluated: 2015-10-02. Review status: criteria provided, single submitter. Criteria: CIMBA Mutation Classification guidelines May 2016. Collection method: clinical testing. Allele origin: germline. Not counted in ClinVar's aggregate classification.

Sharing Clinical Reports Project (SCRP)
Classification: Pathogenic for Breast-ovarian cancer, familial 2. Last evaluated: 2008-03-25. Review status: no assertion criteria provided. Collection method: clinical testing. Allele origin: germline. Not counted in ClinVar's aggregate classification.

Literature cited by the submitters: PubMed 26833046 (cited by 3 submitters); PubMed 22535016 (cited by 3 submitters); PubMed 20104584 (cited by Labcorp Genetics (formerly Invitae), Labcorp); PubMed 29446198 (cited by Labcorp Genetics (formerly Invitae), Labcorp).

NM_000059.4(BRCA2):c.2231C>G (p.Ser744Ter)

Gene: BRCA2 (BRCA2 DNA repair associated; plus strand). Cytogenetic location: 13q13.1.
Variant type: single nucleotide variant.
Coding change: c.2231C>G on transcript NM_000059.4 (MANE Select); coding-DNA position 2231, C replaced by G.
Protein change: p.Ser744Ter; replaces serine 744 with a stop codon.
Molecular consequence: nonsense.
Genome position (GRCh38, 1-based): chr13:32,336,586, C>G. VCF-style: chr13-32336586-C-G. GRCh37 (hg19) VCF-style: chr13-32910723-C-G.
Other names: 2459C>G; short protein forms S744*.
Identifiers: ClinVar variation 37777 (VCV000037777.32), dbSNP rs397507282, ClinGen allele CA014691.
Genomic context (GRCh38, chr13:32,336,586, plus strand): 5'-AAAAAGTTTCAGATATAAAAGAAGAGGTCTTGGCTGCAGCATGTCACCCAGTACAACATT[C>G]AAAAGTGGAATACAGTGATACTGACTTTCAATCCCAGAAAAGTCTTTTATATGATCATGA-3'